The following is an entry in ClinVar:

NM_174878.3(CLRN1):c.624T>G (p.Leu208=)

Gene: CLRN1 (clarin 1; minus strand). Cytogenetic location: 3q25.1.
Variant type: single nucleotide variant.
Coding change: c.624T>G on transcript NM_174878.3 (MANE Select); coding-DNA position 624, T replaced by G.
Protein change: p.Leu208=; no amino-acid change (leucine 208 retained).
Molecular consequence: synonymous variant. On other transcripts: 3 prime UTR variant (1), non-coding transcript variant (1), intron variant (1).
Genome position (GRCh38, 1-based): chr3:150,928,011, A>C on the plus strand (T>G on the coding strand, the complement: CLRN1 is on the minus strand). VCF-style: chr3-150928011-A-C. GRCh37 (hg19) VCF-style: chr3-150645798-A-C.
Other names: c.663T>G, p.Leu221= (NM_001195794.1); c.*238T>G (NM_001256819.2); c.342+54T>G (NM_052995.2).
Identifiers: ClinVar variation 765097 (VCV000765097.10), dbSNP rs369793154, ClinGen allele CA2666001.

ClinVar aggregate classification (germline): Likely benign. Review status: criteria provided, multiple submitters, no conflicts (2 of 4 stars). 3 submissions from 3 submitters: Likely benign (3). Last evaluated 2025-04-13.

Conditions:
CLRN1-related disorder. Also called: CLRN1-related condition.

Allele frequency attached by ClinVar (database versions not stated): ExAC 0.00001; gnomAD exomes 0.00002; TOPMed 0.00002; ESP Exome Variant Server 0.00008.

Submissions (3):

PreventionGenetics, part of Exact Sciences
Classification: Likely benign for CLRN1-related condition. Last evaluated: 2025-04-13. Review status: criteria provided, single submitter. Criteria: ACMG Guidelines, 2015. Collection method: clinical testing. Allele origin: germline.
Comment: This variant is classified as likely benign based on ACMG/AMP sequence variant interpretation guidelines (Richards et al. 2015 PMID: 25741868, with internal and published modifications).

Labcorp Genetics (formerly Invitae), Labcorp
Classification: Likely benign. Last evaluated: 2024-03-19. Review status: criteria provided, single submitter. Criteria: Invitae Variant Classification Sherloc (09022015). Collection method: clinical testing. Allele origin: germline.

Blueprint Genetics
Classification: Likely benign. Last evaluated: 2022-04-18. Review status: criteria provided, single submitter. Criteria: ACMG Guidelines, 2015. Collection method: clinical testing. Allele origin: germline.